The following is an entry in ClinVar:

NM_000712.4(BLVRA):c.63C>T (p.Ser21=)

Gene: BLVRA (biliverdin reductase A; plus strand). Cytogenetic location: 7p13.
Variant type: single nucleotide variant.
Coding change: c.63C>T on transcript NM_000712.4 (MANE Select); coding-DNA position 63, C replaced by T.
Protein change: p.Ser21=; no amino-acid change (serine 21 retained).
Molecular consequence: synonymous variant.
Genome position (GRCh38, 1-based): chr7:43,787,954, C>T. VCF-style: chr7-43787954-C-T. GRCh37 (hg19) VCF-style: chr7-43827553-C-T.
Other names: c.63C>T, p.Ser21= (NM_001253823.2).
Identifiers: ClinVar variation 3048619 (VCV003048619.3), dbSNP rs140295067, ClinGen allele CA4233987.

ClinVar aggregate classification (germline): Benign. Review status: criteria provided, single submitter (1 of 4 stars). 2 submissions from 2 submitters: Benign (1). 1 of the submissions does not count toward it. Last evaluated 2026-01-13.

Conditions:
BLVRA-related disorder. Also called: BLVRA-related condition.

Allele frequency attached by ClinVar (database versions not stated): TOPMed 0.00004; gnomAD 0.00009; gnomAD exomes 0.00013; ESP Exome Variant Server 0.00015; ExAC 0.00038; 1000 Genomes Project 0.00040; 1000 Genomes Project 30x 0.00047.

Submissions (2):

Labcorp Genetics (formerly Invitae), Labcorp
Classification: Benign. Last evaluated: 2026-01-13. Review status: criteria provided, single submitter. Criteria: Invitae Variant Classification Sherloc (09022015). Collection method: clinical testing. Allele origin: germline.

PreventionGenetics, part of Exact Sciences
Classification: Likely benign for BLVRA-related condition. Last evaluated: 2019-04-09. Review status: no assertion criteria provided. Collection method: clinical testing. Allele origin: germline. Not counted in ClinVar's aggregate classification.
Comment: This variant is classified as likely benign based on ACMG/AMP sequence variant interpretation guidelines (Richards et al. 2015 PMID: 25741868, with internal and published modifications).